The following is an entry in ClinVar:

NM_004304.5(ALK):c.1204G>T (p.Val402Leu)

Gene: ALK (ALK receptor tyrosine kinase; minus strand). Cytogenetic location: 2p23.2.
Variant type: single nucleotide variant.
Coding change: c.1204G>T on transcript NM_004304.5 (MANE Select); coding-DNA position 1204, G replaced by T.
Protein change: p.Val402Leu; replaces valine 402 with leucine.
Molecular consequence: missense variant.
Genome position (GRCh38, 1-based): chr2:29,383,810, C>A on the plus strand (G>T on the coding strand, the complement: ALK is on the minus strand). VCF-style: chr2-29383810-C-A. GRCh37 (hg19) VCF-style: chr2-29606676-C-A.
Other names: short protein forms V402L.
Identifiers: ClinVar variation 4870295 (VCV004870295.1).

ClinVar aggregate classification (germline): Uncertain significance (1 of 4 stars; one submission).

Conditions:
Hereditary cancer-predisposing syndrome. Also called: Neoplastic Syndromes, Hereditary; Tumor predisposition; Hereditary Cancer Syndrome; Hereditary neoplastic syndrome. Identifiers: Orphanet 140162, MedGen C0027672, MeSH D009386, MONDO:0015356.

Submission:

Ambry Genetics
Classification: Uncertain significance for Hereditary cancer-predisposing syndrome. Last evaluated: 2026-05-14. Review status: criteria provided, single submitter. Criteria: Ambry Variant Classification Scheme 2023. Collection method: clinical testing. Allele origin: germline.
Comment: The p.V402L variant (also known as c.1204G>T), located in coding exon 5 of the ALK gene, results from a G to T substitution at nucleotide position 1204. The valine at codon 402 is replaced by leucine, an amino acid with highly similar properties. This amino acid position is conserved. In addition, this alteration is predicted to be tolerated by in silico analysis. Based on the available evidence, the clinical significance of this variant remains unclear.